The following is an entry in ClinVar:

ClinVar aggregate classification (germline): Uncertain significance. Review status: criteria provided, single submitter (1 of 4 stars). 2 submissions from 2 submitters: Uncertain significance (1). 1 of the submissions does not count toward it. Last evaluated 2021-09-01.

Conditions:
MYH7-related disorder. Also called: MYH7-related condition; MYH7-related disease; MYH7-related disorders.
Hypertrophic cardiomyopathy. Also called: HYPERTROPHIC MYOCARDIOPATHY. Identifiers: Orphanet 217569, MedGen C0007194, MeSH D002312, MONDO:0005045, HP:0001639.

Allele frequency attached by ClinVar (database versions not stated): TOPMed below 0.00001; gnomAD 0.00001; gnomAD exomes 0.00001 and 0.00002; ExAC 0.00003.
gnomAD v4.1: 4 of 1,614,012 alleles (0.00025%); highest among the groups gnomAD compares: East Asian, 0.0089%; no homozygotes.

Submissions (2):

Labcorp Genetics (formerly Invitae), Labcorp
Classification: Uncertain significance for Hypertrophic cardiomyopathy. Last evaluated: 2021-09-01. Review status: criteria provided, single submitter. Criteria: Invitae Variant Classification Sherloc (09022015). Collection method: clinical testing. Allele origin: germline.
Comment: This sequence change replaces leucine with serine at codon 1650 of the MYH7 protein (p.Leu1650Ser). The leucine residue is highly conserved and there is a large physicochemical difference between leucine and serine. This variant is present in population databases (rs756142583, ExAC 0.05%). This variant has not been reported in the literature in individuals affected with MYH7-related conditions. Algorithms developed to predict the effect of missense changes on protein structure and function are either unavailable or do not agree on the potential impact of this missense change (SIFT: "Deleterious"; PolyPhen-2: "Probably Damaging"; Align-GVGD: "Class C0"). In summary, the available evidence is currently insufficient to determine the role of this variant in disease. Therefore, it has been classified as a Variant of Uncertain Significance.

PreventionGenetics, part of Exact Sciences
Classification: Uncertain significance for MYH7-related condition. Last evaluated: 2024-04-01. Review status: no assertion criteria provided. Collection method: clinical testing. Allele origin: germline. Not counted in ClinVar's aggregate classification.
Comment: The MYH7 c.4949T>C variant is predicted to result in the amino acid substitution p.Leu1650Ser. To our knowledge, this variant has not been reported in the literature. This variant is reported in 0.030% of alleles in individuals of East Asian descent in gnomAD. At this time, the clinical significance of this variant is uncertain due to the absence of conclusive functional and genetic evidence.

NM_000257.4(MYH7):c.4949T>C (p.Leu1650Ser)

Genes: MHRT (myosin heavy chain associated RNA transcript; plus strand), MYH7 (myosin heavy chain 7; minus strand), LOC126861897 (BRD4-independent group 4 enhancer GRCh37_chr14:23884455-23885654; plus strand). Cytogenetic location: 14q11.2.
Variant type: single nucleotide variant.
Coding change: c.4949T>C on transcript NM_000257.4 (MANE Select); coding-DNA position 4949, T replaced by C.
Protein change: p.Leu1650Ser; replaces leucine 1650 with serine.
Molecular consequence: missense variant. On other transcripts: non-coding transcript variant (1).
Genome position (GRCh38, 1-based): chr14:23,416,008, A>G on the plus strand (T>C on the coding strand, the complement: MYH7 is on the minus strand). VCF-style: chr14-23416008-A-G. GRCh37 (hg19) VCF-style: chr14-23885217-A-G.
Other names: c.4949T>C (NM_000257.3); short protein forms L1650S.
Identifiers: ClinVar variation 1391092 (VCV001391092.6), dbSNP rs756142583, ClinGen allele CA044271.